The following is an entry in ClinVar:

NM_004259.7(RECQL5):c.2874C>G (p.Ser958Arg)

Gene: RECQL5 (RecQ like helicase 5; minus strand). Cytogenetic location: 17q25.1.
Variant type: single nucleotide variant.
Coding change: c.2874C>G on transcript NM_004259.7 (MANE Select); coding-DNA position 2874, C replaced by G.
Protein change: p.Ser958Arg; replaces serine 958 with arginine.
Molecular consequence: missense variant.
Genome position (GRCh38, 1-based): chr17:75,627,624, G>C on the plus strand (C>G on the coding strand, the complement: RECQL5 is on the minus strand). VCF-style: chr17-75627624-G-C. GRCh37 (hg19) VCF-style: chr17-73623704-G-C.
Other names: short protein forms S958R.
Identifiers: ClinVar variation 4981886 (VCV004981886.1).

ClinVar aggregate classification (germline): Uncertain significance (1 of 4 stars; one submission).

Conditions:
RECQL5-related disorder. Also called: RECQL5-related condition.

gnomAD v4.1: 230 of 1,612,838 alleles (0.014%); highest among the groups gnomAD compares: Middle Eastern, 0.082%; 2 homozygotes.

Submission:

PreventionGenetics, part of Exact Sciences
Classification: Uncertain significance for RECQL5-related condition. Last evaluated: 2025-10-13. Review status: criteria provided, single submitter. Criteria: ACMG Guidelines, 2015. Collection method: clinical testing. Allele origin: germline.
Comment: The RECQL5 c.2874C>G variant is predicted to result in the amino acid substitution p.Ser958Arg. This variant was reported in an individual with breast cancer (Tavera-Tapia et al. 2019. PubMed ID: 30817846). This variant is reported in 0.029% of alleles in individuals of Latino descent in gnomAD. At the time of reporting this variant was not present in ClinVar. At this time, the clinical significance of this variant is uncertain due to the absence of conclusive functional and genetic evidence.